The following is an entry in ClinVar:

ClinVar aggregate classification (germline): Uncertain significance (1 of 4 stars; one submission).

Submission:

Dasa
Classification: Uncertain significance. Last evaluated: 2026-02-23. Review status: criteria provided, single submitter. Criteria: DASA Assertion Criteria. Collection method: clinical testing. Allele origin: germline.
Comment: NM_014413.4(EIF2AK1):c.1583del (p.Gly528Glufs*10) is a frameshift variant in EIF2AK1 predicted to alter the reading frame and introduce a premature termination codon. This variant is rare in population databases. The currently available literature and clinical evidence are not sufficient to establish a definitive association between this variant and the reported condition. Therefore, this variant is classified as a variant of uncertain significance.

NM_014413.4(EIF2AK1):c.1583del (p.Gly528fs)

Gene: EIF2AK1 (eukaryotic translation initiation factor 2 alpha kinase 1; minus strand). Cytogenetic location: 7p22.1.
Variant type: Deletion.
Coding change: c.1583del on transcript NM_014413.4 (MANE Select); coding-DNA position 1583, one base deleted (G; older notation c.1583delG).
Protein change: p.Gly528fs; shifts the reading frame from glycine 528.
Molecular consequence: frameshift variant.
Genome position (GRCh38, 1-based): chr7:6,026,909, C deleted on the plus strand (G on the coding strand, the reverse complement: EIF2AK1 is on the minus strand); the first of 2 consecutive C bases (chr7:6,026,909-6,026,910); deleting either gives the same sequence. VCF-style (leftmost placement, unchanged base first): chr7-6026908-TC-T. GRCh37 (hg19) VCF-style: chr7-6066539-TC-T.
Other names: c.1580del, p.Gly527fs (NM_001134335.2); short protein forms G527fs, G528fs.
Identifiers: ClinVar variation 4886252 (VCV004886252.2).